The following is an entry in ClinVar:

ClinVar aggregate classification (germline): Uncertain significance. Review status: criteria provided, multiple submitters, no conflicts (2 of 4 stars). 2 submissions from 2 submitters: Uncertain significance (2). Last evaluated 2022-10-18.

Conditions:
Familial hemophagocytic lymphohistiocytosis 2 (FHL2). Also called: PRF1-Related Familial Hemophagocytic Lymphohistiocytosis (PRF1-fHLH). Identifiers: Orphanet 540, MedGen C1863727, MONDO:0011337, OMIM 603553.

Allele frequency attached by ClinVar (database versions not stated): TOPMed below 0.00001; gnomAD 0.00001; gnomAD exomes 0.00001; ExAC 0.00002; 1000 Genomes Project 30x 0.00016; 1000 Genomes Project 0.00020.

Submissions (2):

GeneDx
Classification: Uncertain significance. Last evaluated: 2022-10-18. Review status: criteria provided, single submitter. Criteria: GeneDx Variant Classification Process June 2021. Collection method: clinical testing. Allele origin: germline. Affected: yes.
Comment: Not observed at significant frequency in large population cohorts (gnomAD); In silico analysis supports that this missense variant does not alter protein structure/function; Has not been previously published as pathogenic or benign to our knowledge

Labcorp Genetics (formerly Invitae), Labcorp
Classification: Uncertain significance for Familial hemophagocytic lymphohistiocytosis 2. Last evaluated: 2022-07-18. Review status: criteria provided, single submitter. Criteria: Invitae Variant Classification Sherloc (09022015). Collection method: clinical testing. Allele origin: germline.
Comment: This sequence change replaces histidine, which is basic and polar, with tyrosine, which is neutral and polar, at codon 202 of the PRF1 protein (p.His202Tyr). This variant is present in population databases (rs200332545, gnomAD 0.003%). This variant has not been reported in the literature in individuals affected with PRF1-related conditions. ClinVar contains an entry for this variant (Variation ID: 962080). Algorithms developed to predict the effect of missense changes on protein structure and function (SIFT, PolyPhen-2, Align-GVGD) all suggest that this variant is likely to be tolerated. In summary, the available evidence is currently insufficient to determine the role of this variant in disease. Therefore, it has been classified as a Variant of Uncertain Significance.

NM_001083116.3(PRF1):c.604C>T (p.His202Tyr)

Gene: PRF1 (perforin 1; minus strand). Cytogenetic location: 10q22.1.
Variant type: single nucleotide variant.
Coding change: c.604C>T on transcript NM_001083116.3 (MANE Select); coding-DNA position 604, C replaced by T.
Protein change: p.His202Tyr; replaces histidine 202 with tyrosine.
Molecular consequence: missense variant.
Genome position (GRCh38, 1-based): chr10:70,599,117, G>A on the plus strand (C>T on the coding strand, the complement: PRF1 is on the minus strand). VCF-style: chr10-70599117-G-A. GRCh37 (hg19) VCF-style: chr10-72358873-G-A.
Other names: c.604C>T, p.His202Tyr (NM_005041.6); short protein forms H202Y.
Identifiers: ClinVar variation 962080 (VCV000962080.5), dbSNP rs200332545, ClinGen allele CA5538965.